The following is an entry in ClinVar:

ClinVar aggregate classification (germline): Uncertain significance (1 of 4 stars; one submission).

gnomAD v4.1: 2 of 1,611,842 alleles (0.00012%); highest among the groups gnomAD compares: Non-Finnish European, 0.00017%; no homozygotes.

Submission:

Dasa
Classification: Uncertain significance. Last evaluated: 2025-08-08. Review status: criteria provided, single submitter. Criteria: DASA Assertion Criteria. Collection method: clinical testing. Allele origin: germline.
Comment: NM_178857.6(RP1L1):c.4915C>G (p.Leu1639Val) is a missense variant that results in the substitution of leucine with valine. This variant is rare in population databases. Computational prediction algorithms are consistent with a benign effect. The currently available literature and clinical evidence are not sufficient to establish a definitive association between this variant and the reported condition. Therefore, this variant is classified as a variant of uncertain significance.

NM_178857.6(RP1L1):c.4915C>G (p.Leu1639Val)

Gene: RP1L1 (RP1 like 1). Cytogenetic location: 8p23.1.
Variant type: single nucleotide variant.
Coding change: c.4915C>G on transcript NM_178857.6 (MANE Select); coding-DNA position 4915, C replaced by G.
Protein change: p.Leu1639Val; replaces leucine 1639 with valine.
Molecular consequence: missense variant.
Genome position (GRCh38, 1-based): chr8:10,609,183, G>C on the plus strand (C>G on the coding strand, the complement: RP1L1 is on the minus strand). VCF-style: chr8-10609183-G-C. GRCh37 (hg19) VCF-style: chr8-10466693-G-C.
Other names: short protein forms L1639V.
Identifiers: ClinVar variation 4881397 (VCV004881397.2).